The following is an entry in ClinVar:

ClinVar aggregate classification (germline): Likely pathogenic (1 of 4 stars; one submission).

Conditions:
Cobalamin C disease. Also called: Cobalamin-C methylmalonic acidemia and homocystinuria; Methylmalonic acidemia and homocystinuria cblC type; Methylmalonic aciduria with homocystinuria cblC type; Methylmalonic aciduria and homocystinuria, Vitamin B12-responsive; Vitamin B12 metabolic defect with combined deficiency of methylmalonyl-CoA mutase and homocysteine:methyltetrahydrofolate methyltransferase; methylmalonic aciduria and homocystinuria type cblC. Identifiers: Orphanet 26, Orphanet 79282, MedGen C1848561, MONDO:0010184, OMIM 277400.

Submission:

Natera, Inc.
Classification: Likely pathogenic for Methylmalonic aciduria and homocystinuria cblC type. Last evaluated: 2024-04-03. Review status: criteria provided, single submitter. Criteria: Natera Variant Classification Schema (03/2026). Collection method: clinical testing. Allele origin: germline.
Comment: The c.268_269delGT variant in MMACHC is a frameshift variant predicted to shift the reading frame and introduce a stop codon. This variant is expected to result in nonsense mediated decay, truncation, or a dysfunctional protein product. This variant is rare in the general population with a frequency below the threshold expected for the associated phenotype(s). Given the available evidence, this variant is classified as Likely Pathogenic.

NM_015506.3(MMACHC):c.268_269del (p.Arg89_Val90insTer)

Gene: MMACHC (metabolism of cobalamin associated C; plus strand). Cytogenetic location: 1p34.1.
Variant type: Microsatellite.
Coding change: c.268_269del on transcript NM_015506.3 (MANE Select); coding-DNA positions 268 to 269, 2 bases deleted (GT; older notation c.268_269delGT).
Protein change: p.Arg89_Val90insTer.
Molecular consequence: nonsense.
Genome position (GRCh38, 1-based): chr1:45,507,542-45,507,543, GT deleted; deleting any 2 consecutive bases within chr1:45,507,540-45,507,543 gives the same sequence; the c. name uses the placement nearest the transcript's 3' end. VCF-style (leftmost placement, unchanged base first): chr1-45507539-CGT-C. GRCh37 (hg19) VCF-style: chr1-45973211-CGT-C.
Other names: c.97_98del, p.Arg32_Val33insTer (NM_001330540.2).
Identifiers: ClinVar variation 4815863 (VCV004815863.1).